The following is an entry in ClinVar:

ClinVar aggregate classification (germline): Uncertain significance. Review status: criteria provided, multiple submitters, no conflicts (2 of 4 stars). 2 submissions from 2 submitters: Uncertain significance (2). Last evaluated 2025-03-10.

Allele frequency attached by ClinVar (database versions not stated): gnomAD exomes below 0.00001; TOPMed 0.00002.
gnomAD v4.1: 3 of 1,613,318 alleles (0.00019%); highest among the groups gnomAD compares: East Asian, 0.0067%; no homozygotes.

Submissions (2):

Labcorp Genetics (formerly Invitae), Labcorp
Classification: Uncertain significance. Last evaluated: 2025-03-10. Review status: criteria provided, single submitter. Criteria: Invitae Variant Classification Sherloc (09022015). Collection method: clinical testing. Allele origin: germline.
Comment: This sequence change replaces valine, which is neutral and non-polar, with leucine, which is neutral and non-polar, at codon 627 of the RNF43 protein (p.Val627Leu). This variant is present in population databases (no rsID available, gnomAD 0.01%). This variant has not been reported in the literature in individuals affected with RNF43-related conditions. ClinVar contains an entry for this variant (Variation ID: 2185504). An algorithm developed to predict the effect of missense changes on protein structure and function (PolyPhen-2) suggests that this variant is likely to be tolerated. In summary, the available evidence is currently insufficient to determine the role of this variant in disease. Therefore, it has been classified as a Variant of Uncertain Significance.

Ambry Genetics
Classification: Uncertain significance. Last evaluated: 2024-12-06. Review status: criteria provided, single submitter. Criteria: Ambry Variant Classification Scheme 2023. Collection method: clinical testing. Allele origin: germline.
Comment: The p.V627L variant (also known as c.1879G>C), located in coding exon 8 of the RNF43 gene, results from a G to C substitution at nucleotide position 1879. The valine at codon 627 is replaced by leucine, an amino acid with highly similar properties. This amino acid position is conserved. In addition, this alteration is predicted to be tolerated by in silico analysis. Based on the available evidence, the clinical significance of this variant remains unclear.

NM_017763.6(RNF43):c.1879G>C (p.Val627Leu)

Gene: RNF43 (ring finger protein 43; minus strand). Cytogenetic location: 17q22.
Variant type: single nucleotide variant.
Coding change: c.1879G>C on transcript NM_017763.6 (MANE Select); coding-DNA position 1879, G replaced by C.
Protein change: p.Val627Leu; replaces valine 627 with leucine.
Molecular consequence: missense variant.
Genome position (GRCh38, 1-based): chr17:58,357,897, C>G on the plus strand (G>C on the coding strand, the complement: RNF43 is on the minus strand). VCF-style: chr17-58357897-C-G. GRCh37 (hg19) VCF-style: chr17-56435258-C-G.
Other names: c.1879G>C, p.Val627Leu (NM_001305544.3); c.1498G>C, p.Val500Leu (NM_001305545.2); short protein forms V627L, V500L.
Identifiers: ClinVar variation 2185504 (VCV002185504.5), dbSNP rs1442812242, ClinGen allele CA400387104.
Genomic context (GRCh38, chr17:58,357,897, plus strand): 5'-GGCTGGATTTTTGCAAGTTGAACAGACTGCTGGTACTGGGGCAGATGCTGGAGGCGTCAA[C>G]TGGGCCAGGGGCTGGCTCAGGGAGGGCCCTGGGGCACTGTGGGTTAGAGAGCCGCCCCGA-3'
Protein context (NP_060233.3, residues 617-637): RALPEPAPGP[Val627Leu]DASSICPSTS